The following is an entry in ClinVar:

NM_001130144.3(LTBP3):c.3385+1G>C

Genes: LTBP3 (latent transforming growth factor beta binding protein 3; minus strand), LOC130006027 (ATAC-STARR-seq lymphoblastoid silent region 3530; plus strand). Cytogenetic location: 11q13.1.
Variant type: single nucleotide variant.
Coding change: c.3385+1G>C on transcript NM_001130144.3 (MANE Select); the canonical splice donor site of the intron after coding-DNA position 3385, G replaced by C.
Molecular consequence: splice donor variant. On other transcripts: intron variant (2).
Genome position (GRCh38, 1-based): chr11:65,540,012, C>G on the plus strand (G>C on the coding strand, the complement: LTBP3 is on the minus strand). VCF-style: chr11-65540012-C-G. GRCh37 (hg19) VCF-style: chr11-65307483-C-G.
Other names: c.2894-131G>C (NM_001164266.1); c.3245-131G>C (NM_021070.4).
Identifiers: ClinVar variation 4293465 (VCV004293465.1).
Genomic context (GRCh38, chr11:65,540,012, plus strand): 5'-GCGCGGGGGCCACGTGACGGACAGGGCCCCGGGATCGGCCAAGGCCAACCCTCGCCCTCA[C>G]CGGCCGGGCTCTCGGGGAGCTGGCAATCGCGGCCGGAGGGCCCGGGCACCCAGGGCGGGC-3'

ClinVar aggregate classification (germline): Uncertain significance (1 of 4 stars; one submission).

Conditions:
Geleophysic dysplasia 3. Identifiers: MedGen C4540511, MONDO:0054722, OMIM 617809.

gnomAD v4.1: 1 of 1,495,016 alleles (0.000067%); highest among the groups gnomAD compares: Non-Finnish European, 0.000089%; no homozygotes.

Submission:

3billion
Classification: Uncertain significance for Geleophysic dysplasia 3. Last evaluated: 2024-06-28. Review status: criteria provided, single submitter. Criteria: ACMG Guidelines, 2015. Collection method: clinical testing. Allele origin: germline. Affected: yes.
Comment: The variant is observed at an extremely low frequency in the gnomAD v4.0.0 dataset (total allele frequency: <0.001%). Predicted Consequence/Location: Canonical splice site: predicted to alter splicing and result in a loss or disruption of normal protein function. Multiple pathogenic loss-of-function variants are reported downstream of the variant. In silico tools predict the variant to alter splicing and produce an abnormal transcript [SpliceAI: 0.99 (spliceogenicity >=0.2, non-spliceogenicity <0.1)]. Therefore, this variant is classified as VUS according to the recommendation of ACMG/AMP guideline.